The following is an entry in ClinVar:

NM_006662.3(SRCAP):c.7303C>T (p.Arg2435Ter)

Gene: SRCAP (Snf2 related CREBBP activator protein; plus strand). Cytogenetic location: 16p11.2.
Variant type: single nucleotide variant.
Coding change: c.7303C>T on transcript NM_006662.3 (MANE Select); coding-DNA position 7303, C replaced by T.
Protein change: p.Arg2435Ter; replaces arginine 2435 with a stop codon.
Molecular consequence: nonsense.
Genome position (GRCh38, 1-based): chr16:30,737,343, C>T. VCF-style: chr16-30737343-C-T. GRCh37 (hg19) VCF-style: chr16-30748664-C-T.
Other names: short protein forms R2435*.
Identifiers: ClinVar variation 30909 (VCV000030909.64), dbSNP rs199469465, ClinGen allele CA342763.

ClinVar aggregate classification (germline): Pathogenic/Likely pathogenic. Review status: criteria provided, multiple submitters, no conflicts (2 of 4 stars). 28 submissions from 28 submitters: Pathogenic (19); Likely pathogenic (1). 8 of the submissions do not count toward it. Last evaluated 2026-04-09.

Conditions:
SRCAP-related disorder. Also called: SRCAP-related condition.
Inborn genetic diseases. Identifiers: MedGen C0950123, MeSH D030342.
Floating-Harbor syndrome (FLHS). Also called: Short stature with delayed bone age, expressive language delay, a triangular face with a prominent nose and deep-set eyes; Pelletier-Leisti syndrome; SRCAP-Related Floating-Harbor Syndrome. Identifiers: Orphanet 2044, MedGen C0729582, MONDO:0007621, OMIM 136140.

Submissions 1 to 10 of 28:

Dasa
Classification: Pathogenic. Last evaluated: 2026-04-09. Review status: criteria provided, single submitter. Criteria: DASA Assertion Criteria. Collection method: clinical testing. Allele origin: germline.
Comment: NM_006662.3(SRCAP):c.7303C>T (p.Arg2435*) introduces a premature termination codon predicted to result in loss of normal protein function. Loss-of-function is an established mechanism of disease for this gene. This variant has been reported in individuals with related phenotype (PMID: 23193612). Based on the available data, this variant is classified as pathogenic.

Variantyx, Inc.
Classification: Pathogenic for Floating-Harbor syndrome. Last evaluated: 2025-12-31. Review status: criteria provided, single submitter. Criteria: Variantyx Assertion Criteria 2022. Collection method: clinical testing. Allele origin: de novo. Inheritance: Autosomal dominant inheritance. Affected: yes.
Comment: This is a nonsense variant in the SRCAP gene (OMIM: 611421). Pathogenic variants in this gene have been associated with autosomal dominant Floating-Harbor syndrome. Ris variant has been reported in at least 10 unrelated affected individuals (PMID: 22265015, 23621943) (PS4_Moderate), while it is absent from control populations (PM2). The alteration introduces a premature termination codon in exon 34 out of 34 and is not expected to result in nonsense-mediated mRNA decay and a truncated protein may be produced (PM4). It lies within a known hotspot for pathogenic variants or a well-established critical functional domain of the SRCAP protein (PMID: 23621943) (PM1). Based on the current evidence, this variant is classified as pathogenic for autosomal dominant Floating-Harbor syndrome.

3billion
Classification: Pathogenic for Floating-Harbor syndrome. Last evaluated: 2025-06-11. Review status: criteria provided, single submitter. Criteria: ACMG Guidelines, 2015. Collection method: clinical testing. Allele origin: germline. Affected: yes.
Comment: The variant is not observed in the gnomAD v4.1.0 dataset. Predicted Consequence/Location: Stop-gained (nonsense): predicted to result in a loss or disruption of normal protein function through protein truncation. The predicted truncated protein may be shortened by more than 10%. The variant has been previously reported as assumed (i.e. paternity and maternity not confirmed) de novo in at least one similarly affected unrelated individual (PMID: 25433523). The variant has been reported at least twice as pathogenic with clinical assertions and evidence for the classification (ClinVar ID: VCV000030909 /PMID: 22265015 /3billion dataset). Therefore, this variant is classified as Pathogenic according to the recommendation of ACMG/AMP guideline.

Labcorp Genetics (formerly Invitae), Labcorp
Classification: Pathogenic. Last evaluated: 2025-06-06. Review status: criteria provided, single submitter. Criteria: Invitae Variant Classification Sherloc (09022015). Collection method: clinical testing. Allele origin: germline.
Comment: This sequence change creates a premature translational stop signal (p.Arg2435*) in the SRCAP gene. While this is not anticipated to result in nonsense mediated decay, it is expected to disrupt the last 796 amino acid(s) of the SRCAP protein. This variant is not present in population databases (gnomAD no frequency). This premature translational stop signal has been observed in individual(s) with Floating-Harbor syndrome (PMID: 22265015, 22965468, 23621943, 25433523). In at least one individual the variant was observed to be de novo. ClinVar contains an entry for this variant (Variation ID: 30909). Experimental studies and prediction algorithms are not available or were not evaluated, and the functional significance of this variant is currently unknown. Algorithms developed to predict the effect of sequence changes on RNA splicing suggest that this variant may create or strengthen a splice site. For these reasons, this variant has been classified as Pathogenic.

Institute of Human Genetics, Clinical Exome/Genome Diagnostics Group, University Hospital Bonn
Classification: Pathogenic for Floating-Harbor syndrome. Last evaluated: 2024-06-27. Review status: criteria provided, single submitter. Criteria: ACMG Guidelines, 2015. Collection method: clinical testing. Allele origin: de novo. Affected: yes.

Blueprint Genetics
Classification: Pathogenic for SRCAP-related disorders. Last evaluated: 2023-07-04. Review status: criteria provided, single submitter. Criteria: ACMG Guidelines, 2015. Collection method: clinical testing. Allele origin: germline. Affected: yes. Observed: 3 variant alleles.

Ambry Genetics
Classification: Pathogenic for Inborn genetic diseases. Last evaluated: 2023-06-27. Review status: criteria provided, single submitter. Criteria: Ambry Variant Classification Scheme 2023. Collection method: clinical testing. Allele origin: germline.
Comment: The c.7303C>T (p.R2435*) alteration, located in exon 34 (coding exon 32) of the SRCAP gene, consists of a C to T substitution at nucleotide position 7303. This changes the amino acid from an arginine (R) to a stop codon at amino acid position 2435. This alteration occurs at the 3' terminus of the SRCAP gene, is not expected to trigger nonsense-mediated mRNA decay, and impacts the last 24.6% of the protein. However, premature stop codons are typically deleterious in nature, a significant portion of the protein is affected, and the impacted region is critical for protein function (Ambry internal data)._x000D_ _x000D_ This variant is expected to be causative of Floating-Harbor syndrome; however, its clinical significance for SRCAP-related neurodevelopmental disorder is unclear. This variant was not reported in population-based cohorts in the Genome Aggregation Database (gnomAD). This alteration was reported in multiple individuals with features consistent with Floating-Harbor syndrome, including multiple cases of reported de novo occurrence (Hood, 2012; Reschen, 2012; Le Goff, 2013; Nikkel, 2013; Seifert, 2014; Yagi, 2016; Homma, 2019; Zhang, 2019; Lee, 2020; Squeo, 2020). This alteration demonstrated a DNA methylation episignature consistent with Floating-Harbor Syndrome on a genome-wide DNA methylation assay (Kerkhof, 2022). Based on the available evidence, this alteration is classified as pathogenic.

Illumina Laboratory Services, Illumina
Classification: Pathogenic for Floating-Harbor syndrome. Last evaluated: 2023-05-02. Review status: criteria provided, single submitter. Criteria: ICSLVariantClassificationCriteria RUGD 01 April 2020. Collection method: clinical testing. Allele origin: unknown.
Comment: The SRCAP c.7303C>T (p.Arg2435Ter) nonsense variant occurs in the last exon of the gene and may escape nonsense-mediated mRNA decay, although multiple downstream truncating variants are considered causative in the literature (PMID: 35664296). This variant has been identified in multiple individuals with a phenotype consistent with Floating-Harbor syndrome and was confirmed as de novo in several individuals (PMID: 23621943; 22265015; 34006472). The c.7303C>T variant is not observed in version 2.1.1 or version 3.1.2 of the Genome Aggregation Database. This variant has been classified as pathogenic by multiple submitters in ClinVar. The c.7303C>T variant was identified in a de novo state. Based on the available evidence, the c.7303C>T (p.Arg2435Ter) variant is classified as pathogenic for Floating-Harbor syndrome.

Women's Health and Genetics/Laboratory Corporation of America, LabCorp
Classification: Pathogenic for Floating-Harbor syndrome. Last evaluated: 2023-04-27. Review status: criteria provided, single submitter. Criteria: LabCorp Variant Classification Summary - May 2015. Collection method: clinical testing. Allele origin: germline.
Comment: Variant summary: SRCAP c.7303C>T (p.Arg2435X) results in a premature termination codon which is not expected to undergo nonsense mediated decay, however does disrupt the last 796 amino acids of the protein. The variant was absent in 249920 control chromosomes. c.7303C>T has been reported in the literature in individuals affected with Floating-Harbor Syndrome, including cases where de novo inheritance was confirmed (Hood_2012, Lee_2014, Tonne_2021). To our knowledge, no experimental evidence demonstrating an impact on protein function has been reported. The following publications have been ascertained in the context of this evaluation (PMID: 22265015, 25326637, 33288889). Ten clinical diagnostic laboratories have submitted clinical-significance assessments for this variant to ClinVar after 2014 without evidence for independent evaluation. All laboratories classified the variant as pathogenic/likely pathogenic. Based on the evidence outlined above, the variant was classified as pathogenic.

Laboratory of Medical Genetics, National & Kapodistrian University of Athens
Classification: Pathogenic for Floating-Harbor syndrome. Last evaluated: 2023-02-24. Review status: criteria provided, single submitter. Criteria: ACMG Guidelines, 2015. Collection method: clinical testing. Allele origin: de novo. Affected: yes.
Comment: PVS1, PM2, PP5